The following is an entry in ClinVar:

ClinVar aggregate classification (germline): Uncertain significance. Review status: criteria provided, multiple submitters, no conflicts (2 of 4 stars). 2 submissions from 2 submitters: Uncertain significance (2). Last evaluated 2026-07-07.

Conditions:
Hereditary cancer-predisposing syndrome. Also called: Hereditary Cancer Syndrome; Tumor predisposition; Neoplastic Syndromes, Hereditary; Hereditary neoplastic syndrome. Identifiers: Orphanet 140162, MedGen C0027672, MeSH D009386, MONDO:0015356.
Gorlin syndrome. Also called: Nevoid Basal Cell Carcinoma Syndrome; Basal cell nevus syndrome. Identifiers: Orphanet 377, MedGen C0004779, MONDO:0007187.
Medulloblastoma (MDB). Also called: Medulloblastoma, somatic; MEDULLOBLASTOMA PREDISPOSITION SYNDROME. Identifiers: Orphanet 616, MedGen C0025149, MeSH D008527, MONDO:0007959, OMIM 155255, HP:0002885.

Submissions (2):

Ambry Genetics
Classification: Uncertain significance for Hereditary cancer-predisposing syndrome. Last evaluated: 2026-07-07. Review status: criteria provided, single submitter. Criteria: Ambry Variant Classification Scheme 2023. Collection method: clinical testing. Allele origin: germline.
Comment: The p.A25T variant (also known as c.73G>A), located in coding exon 1 of the SUFU gene, results from a G to A substitution at nucleotide position 73. The alanine at codon 25 is replaced by threonine, an amino acid with similar properties. This amino acid position is conserved. In addition, this alteration is predicted to be tolerated by in silico analysis. Based on the available evidence, the clinical significance of this variant remains unclear.

Labcorp Genetics (formerly Invitae), Labcorp
Classification: Uncertain significance for Gorlin syndrome; Medulloblastoma. Last evaluated: 2022-11-01. Review status: criteria provided, single submitter. Criteria: Invitae Variant Classification Sherloc (09022015). Collection method: clinical testing. Allele origin: germline.
Comment: In summary, the available evidence is currently insufficient to determine the role of this variant in disease. Therefore, it has been classified as a Variant of Uncertain Significance. Advanced modeling of protein sequence and biophysical properties (such as structural, functional, and spatial information, amino acid conservation, physicochemical variation, residue mobility, and thermodynamic stability) performed at Invitae indicates that this missense variant is not expected to disrupt SUFU protein function. ClinVar contains an entry for this variant (Variation ID: 1484323). This variant has not been reported in the literature in individuals affected with SUFU-related conditions. This variant is not present in population databases (gnomAD no frequency). This sequence change replaces alanine, which is neutral and non-polar, with threonine, which is neutral and polar, at codon 25 of the SUFU protein (p.Ala25Thr).

NM_016169.4(SUFU):c.73G>A (p.Ala25Thr)

Genes: SUFU (SUFU negative regulator of hedgehog signaling; plus strand), LOC130004614 (ATAC-STARR-seq lymphoblastoid silent region 2764; plus strand). Cytogenetic location: 10q24.32.
Variant type: single nucleotide variant.
Coding change: c.73G>A on transcript NM_016169.4 (MANE Select); coding-DNA position 73, G replaced by A.
Protein change: p.Ala25Thr; replaces alanine 25 with threonine.
Molecular consequence: missense variant.
Genome position (GRCh38, 1-based): chr10:102,504,225, G>A. VCF-style: chr10-102504225-G-A. GRCh37 (hg19) VCF-style: chr10-104263982-G-A.
Other names: c.73G>A, p.Ala25Thr (NM_001178133.2); c.73G>A (NM_016169.3); short protein forms A25T.
Identifiers: ClinVar variation 1484323 (VCV001484323.7), dbSNP rs2135597901, ClinGen allele CA377886349.
Genomic context (GRCh38, chr10:102,504,225, plus strand): 5'-CGGCCTAGCGGCGCCCCCGGCCCCACCGCGCCCCCGGCCCCTGGCCCGACTGCCCCCCCG[G>A]CCTTCGCTTCGCTCTTTCCCCCGGGACTGCACGCCATCTACGGAGAGTGCCGCCGCCTTT-3'
Protein context (NP_057253.2, residues 15-35): PPAPGPTAPP[Ala25Thr]FASLFPPGLH